The following is an entry in ClinVar:

ClinVar aggregate classification (germline): Likely benign (1 of 4 stars; one submission).

Allele frequency attached by ClinVar (database versions not stated): ESP Exome Variant Server 0.00012; gnomAD 0.00013; TOPMed 0.00015; gnomAD exomes 0.00016; ExAC 0.00023.
gnomAD v4.1: 255 of 1,613,024 alleles (0.016%); highest among the groups gnomAD compares: Non-Finnish European, 0.019%; no homozygotes.

Submission:

CeGaT Center for Human Genetics Tuebingen
Classification: Likely benign. Last evaluated: 2026-06-01. Review status: criteria provided, single submitter. Criteria: CeGaT Center For Human Genetics Tuebingen Variant Classification Criteria Version 2. Collection method: clinical testing. Allele origin: germline. Affected: yes. Observed: 2 variant alleles.
Comment: ABHD16A: BP4, BP7

NM_021160.3(ABHD16A):c.1233C>T (p.Asn411=)

Gene: ABHD16A (abhydrolase domain containing 16A, phospholipase; minus strand). Cytogenetic location: 6p21.33.
Variant type: single nucleotide variant.
Coding change: c.1233C>T on transcript NM_021160.3 (MANE Select); coding-DNA position 1233, C replaced by T.
Protein change: p.Asn411=; no amino-acid change (asparagine 411 retained).
Molecular consequence: synonymous variant. On other transcripts: non-coding transcript variant (2).
Genome position (GRCh38, 1-based): chr6:31,688,740, G>A on the plus strand (C>T on the coding strand, the complement: ABHD16A is on the minus strand). VCF-style: chr6-31688740-G-A. GRCh37 (hg19) VCF-style: chr6-31656517-G-A.
Other names: c.1134C>T, p.Asn378= (NM_001177515.2).
Identifiers: ClinVar variation 3025239 (VCV003025239.22), dbSNP rs147830631, ClinGen allele CA3719214.